The following is an entry in ClinVar:

NM_001367561.1(DOCK7):c.919G>A (p.Glu307Lys)

Gene: DOCK7 (dedicator of cytokinesis 7; minus strand). Cytogenetic location: 1p31.3.
Variant type: single nucleotide variant.
Coding change: c.919G>A on transcript NM_001367561.1 (MANE Select); coding-DNA position 919, G replaced by A.
Protein change: p.Glu307Lys; replaces glutamic acid 307 with lysine.
Molecular consequence: missense variant.
Genome position (GRCh38, 1-based): chr1:62,634,889, C>T on the plus strand (G>A on the coding strand, the complement: DOCK7 is on the minus strand). VCF-style: chr1-62634889-C-T. GRCh37 (hg19) VCF-style: chr1-63100560-C-T.
Other names: c.919G>A, p.Glu307Lys (NM_001271999.2, NM_001272000.2, NM_001272001.2 and 3 more transcripts); c.919G>A (NM_033407.2); short protein forms E307K.
Identifiers: ClinVar variation 1044514 (VCV001044514.9), dbSNP rs1314938203, ClinGen allele CA340622213.
Genomic context (GRCh38, chr1:62,634,889, plus strand): 5'-TTGCCAGGGTAGTAATGGCAGCAGGTGGTACATGTGGACGTAACAACCCTTTCATCTGCT[C>T]AGAATTAAGGTCAAAATAAAAGTTTTCTGAAATCTAAAAAATATTAGTATGTTAAACTTT-3'
Protein context (NP_001354490.1, residues 297-317): SENFYFDLNS[Glu307Lys]QMKGLLRPHV

ClinVar aggregate classification (germline): Uncertain significance. Review status: criteria provided, multiple submitters, no conflicts (2 of 4 stars). 2 submissions from 2 submitters: Uncertain significance (2). Last evaluated 2024-03-14.

Conditions:
Inborn genetic diseases. Identifiers: MedGen C0950123, MeSH D030342.
Developmental and epileptic encephalopathy, 23 (DEE23). Also called: Epileptic encephalopathy, early infantile, 23. Identifiers: Orphanet 411986, MedGen C4014492, MONDO:0014371, OMIM 615859.

Allele frequency attached by ClinVar (database versions not stated): gnomAD exomes below 0.00001; gnomAD 0.00001; TOPMed 0.00002.
gnomAD v4.1: 4 of 1,609,722 alleles (0.00025%); highest among the groups gnomAD compares: Non-Finnish European, 0.00034%; no homozygotes.

Submissions (2):

Labcorp Genetics (formerly Invitae), Labcorp
Classification: Uncertain significance for Developmental and epileptic encephalopathy, 23. Last evaluated: 2024-03-14. Review status: criteria provided, single submitter. Criteria: Invitae Variant Classification Sherloc (09022015). Collection method: clinical testing. Allele origin: germline.
Comment: This sequence change replaces glutamic acid, which is acidic and polar, with lysine, which is basic and polar, at codon 307 of the DOCK7 protein (p.Glu307Lys). This variant is not present in population databases (gnomAD no frequency). This variant has not been reported in the literature in individuals affected with DOCK7-related conditions. ClinVar contains an entry for this variant (Variation ID: 1044514). Advanced modeling of protein sequence and biophysical properties (such as structural, functional, and spatial information, amino acid conservation, physicochemical variation, residue mobility, and thermodynamic stability) performed at Invitae indicates that this missense variant is not expected to disrupt DOCK7 protein function with a negative predictive value of 80%. Algorithms developed to predict the effect of sequence changes on RNA splicing suggest that this variant may create or strengthen a splice site. In summary, the available evidence is currently insufficient to determine the role of this variant in disease. Therefore, it has been classified as a Variant of Uncertain Significance.

Ambry Genetics
Classification: Uncertain significance for Inborn genetic diseases. Last evaluated: 2023-11-22. Review status: criteria provided, single submitter. Criteria: Ambry Variant Classification Scheme 2023. Collection method: clinical testing. Allele origin: germline.